The following is an entry in ClinVar:

NM_001379081.2(FREM1):c.4204C>G (p.Leu1402Val)

Gene: FREM1 (FRAS1 related extracellular matrix 1; minus strand). Cytogenetic location: 9p22.3.
Variant type: single nucleotide variant.
Coding change: c.4204C>G on transcript NM_001379081.2 (MANE Select); coding-DNA position 4204, C replaced by G.
Protein change: p.Leu1402Val; replaces leucine 1402 with valine.
Molecular consequence: missense variant. On other transcripts: non-coding transcript variant (1).
Genome position (GRCh38, 1-based): chr9:14,784,608, G>C on the plus strand (C>G on the coding strand, the complement: FREM1 is on the minus strand). VCF-style: chr9-14784608-G-C. GRCh37 (hg19) VCF-style: chr9-14784606-G-C.
Other names: c.4204C>G, p.Leu1402Val (NM_144966.7); short protein forms L1402V.
Identifiers: ClinVar variation 1049575 (VCV001049575.1), dbSNP rs770679670, ClinGen allele CA372966391.

ClinVar aggregate classification (germline): Uncertain significance (0 of 4 stars; one submission).

gnomAD v4.1: 1 of 1,594,936 alleles (0.000063%); highest among the groups gnomAD compares: South Asian, 0.0011%; no homozygotes.

Submission:

Department of Pathology and Laboratory Medicine, Sinai Health System
Classification: Uncertain significance. Review status: no assertion criteria provided. Collection method: clinical testing. Allele origin: unknown. Affected: yes. Study: The Canadian Open Genetics Repository (COGR).
Comment: The FREM1 p.(Leu1402Val) variant was not identified in the literature nor was it identified in the dbSNP, ClinVar, COGR, Cosmic, MutDB, LOVD 3.0, or Zhejiang University Database databases. The variant was not identified in the following control databases: the 1000 Genomes Project, the NHLBI GO Exome Sequencing Project, the Exome Aggregation Consortium (August 8th 2016) or the Genome Aggregation Database (Feb 27, 2017). The p.Leu1402 residue is conserved in mammals however four out of five computational analyses (PolyPhen-2, SIFT, AlignGVGD, BLOSUM) do not suggest a high likelihood of impact to the protein; this information is not predictive enough to rule out pathogenicity. In summary, based on the above information the clinical significance of this variant cannot be determined with certainty at this time. This variant is classified as a variant of uncertain significance.